The following is an entry in ClinVar:

NM_020719.3(PRR12):c.4961A>G (p.Asn1654Ser)

Gene: PRR12 (proline rich 12; plus strand). Cytogenetic location: 19q13.33.
Variant type: single nucleotide variant.
Coding change: c.4961A>G on transcript NM_020719.3 (MANE Select); coding-DNA position 4961, A replaced by G.
Protein change: p.Asn1654Ser; replaces asparagine 1654 with serine.
Molecular consequence: missense variant.
Genome position (GRCh38, 1-based): chr19:49,614,946, A>G. VCF-style: chr19-49614946-A-G. GRCh37 (hg19) VCF-style: chr19-50118203-A-G.
Other names: short protein forms N1654S.
Identifiers: ClinVar variation 5027387 (VCV005027387.1).
Genomic context (GRCh38, chr19:49,614,946, plus strand): 5'-ATTTTGGGGATGCAAAAAATCGGTACCAGCGCCTCTATGTAAAGTTCCTGGAAAATGTCA[A>G]TAAGAAGGACTACGTGAGGGTCTGTGCTCGGAAACCCTGGCATCGGCCCCCAGTGCCAGT-3'
Protein context (NP_065770.1, residues 1644-1664): RLYVKFLENV[Asn1654Ser]KKDYVRVCAR

ClinVar aggregate classification (germline): Uncertain significance (1 of 4 stars; one submission).

Conditions:
Inborn genetic diseases. Identifiers: MedGen C0950123, MeSH D030342.

gnomAD v4.1: 5 of 1,614,016 alleles (0.00031%); highest among the groups gnomAD compares: Admixed American, 0.0017%; no homozygotes.

Submission:

Ambry Genetics
Classification: Uncertain significance for Inborn genetic diseases. Last evaluated: 2026-08-03. Review status: criteria provided, single submitter. Criteria: Ambry Variant Classification Scheme 2023. Collection method: clinical testing. Allele origin: germline.
Comment: The c.4961A>G (p.N1654S) alteration is located in exon 8 (coding exon 8) of the PRR12 gene. This alteration results from a A to G substitution at nucleotide position 4961, causing the asparagine (N) at amino acid position 1654 to be replaced by a serine (S). Based on data from gnomAD, the G allele has an overall frequency of <0.001% (1/249226) total alleles studied. The highest observed frequency was 0.003% (1/34520) of Latino alleles. Based on insufficient or conflicting evidence, the clinical significance of this alteration remains unclear.